The following is an entry in ClinVar:

ClinVar aggregate classification (germline): Uncertain significance (1 of 4 stars; one submission).

Submission:

Labcorp Genetics (formerly Invitae), Labcorp
Classification: Uncertain significance. Last evaluated: 2024-12-12. Review status: criteria provided, single submitter. Criteria: Invitae Variant Classification Sherloc (09022015). Collection method: clinical testing. Allele origin: germline.
Comment: This sequence change replaces phenylalanine, which is neutral and non-polar, with leucine, which is neutral and non-polar, at codon 179 of the SAMD9 protein (p.Phe179Leu). This variant is not present in population databases (gnomAD no frequency). This variant has not been reported in the literature in individuals affected with SAMD9-related conditions. Invitae Evidence Modeling of protein sequence and biophysical properties (such as structural, functional, and spatial information, amino acid conservation, physicochemical variation, residue mobility, and thermodynamic stability) indicates that this missense variant is not expected to disrupt SAMD9 protein function with a negative predictive value of 95%. In summary, the available evidence is currently insufficient to determine the role of this variant in disease. Therefore, it has been classified as a Variant of Uncertain Significance.

NM_017654.4(SAMD9):c.535T>C (p.Phe179Leu)

Gene: SAMD9 (sterile alpha motif domain containing 9; minus strand). Cytogenetic location: 7q21.2.
Variant type: single nucleotide variant.
Coding change: c.535T>C on transcript NM_017654.4 (MANE Select); coding-DNA position 535, T replaced by C.
Protein change: p.Phe179Leu; replaces phenylalanine 179 with leucine.
Molecular consequence: missense variant.
Genome position (GRCh38, 1-based): chr7:93,105,563, A>G on the plus strand (T>C on the coding strand, the complement: SAMD9 is on the minus strand). VCF-style: chr7-93105563-A-G. GRCh37 (hg19) VCF-style: chr7-92734876-A-G.
Other names: c.535T>C, p.Phe179Leu (NM_001193307.2); short protein forms F179L.
Identifiers: ClinVar variation 3636754 (VCV003636754.2).